The following is an entry in ClinVar:

ClinVar aggregate classification (germline): Likely benign (0 of 4 stars; one submission).

Conditions:
DMPK-related disorder. Also called: DMPK-related condition.

Allele frequency attached by ClinVar (database versions not stated): ESP Exome Variant Server 0.00046; TOPMed 0.00056; gnomAD 0.00060; gnomAD exomes 0.00081; 1000 Genomes Project 30x 0.00094; ExAC 0.00115; 1000 Genomes Project 0.00120.
gnomAD v4.1: 1,309 of 1,613,478 alleles (0.081%); highest among the groups gnomAD compares: Middle Eastern, 0.81%; 12 homozygotes.

Submission:

PreventionGenetics, part of Exact Sciences
Classification: Likely benign for DMPK-related condition. Last evaluated: 2020-02-05. Review status: no assertion criteria provided. Collection method: clinical testing. Allele origin: germline.
Comment: This variant is classified as likely benign based on ACMG/AMP sequence variant interpretation guidelines (Richards et al. 2015 PMID: 25741868, with internal and published modifications).

NM_004409.5(DMPK):c.1010C>G (p.Pro337Arg)

Gene: DMPK (DM1 protein kinase; minus strand). Cytogenetic location: 19q13.32.
Variant type: single nucleotide variant.
Coding change: c.1010C>G on transcript NM_004409.5 (MANE Select); coding-DNA position 1010, C replaced by G.
Protein change: p.Pro337Arg; replaces proline 337 with arginine.
Molecular consequence: missense variant.
Genome position (GRCh38, 1-based): chr19:45,777,463, G>C on the plus strand (C>G on the coding strand, the complement: DMPK is on the minus strand). VCF-style: chr19-45777463-G-C. GRCh37 (hg19) VCF-style: chr19-46280721-G-C.
Other names: c.1010C>G, p.Pro337Arg (NM_001081560.3, NM_001081562.3, NM_001288766.2 and 5 more transcripts); c.1040C>G, p.Pro347Arg (NM_001081563.3); c.1088C>G, p.Pro363Arg (NM_001288764.2, NM_001424163.1); c.743C>G, p.Pro248Arg (NM_001288765.2); c.569C>G, p.Pro190Arg (NM_001424166.1); short protein forms P190R, P248R, P337R, P347R, P363R.
Identifiers: ClinVar variation 3053136 (VCV003053136.2), dbSNP rs142936719, ClinGen allele CA9521300.
Genomic context (GRCh38, chr19:45,777,463, plus strand): 5'-TCCGGTGTAAAGGGGGGCACGCTGTCCCGGAGACCATCCCAGTCGAGGCCAAAGAAGAAG[G>C]GATGTGTCCGGAAGTCGCCTGCTCCACCCCGGCCCAGCCGTGTCTCCGGGGGACACAGCA-3'
Protein context (NP_004400.4, residues 327-347): RGGAGDFRTH[Pro337Arg]FFFGLDWDGL